The following is an entry in ClinVar:

ClinVar aggregate classification (germline): Uncertain significance (1 of 4 stars; one submission).

Conditions:
Surfactant metabolism dysfunction, pulmonary, 4 (SMDP4). Also called: PULMONARY ALVEOLAR PROTEINOSIS, CONGENITAL, 4; PAP DUE TO CSF2RA DEFICIENCY; CSF2RA DEFICIENCY. Identifiers: Orphanet 264675, MedGen C2677877, MONDO:0010424, OMIM 300770.

Allele frequency attached by ClinVar (database versions not stated): ExAC 0.00003; gnomAD exomes 0.00003; gnomAD 0.00004; TOPMed 0.00004.
gnomAD v4.1: 83 of 1,613,858 alleles (0.0051%); highest among the groups gnomAD compares: African/African-American, 0.0067%; no homozygotes.

Submission:

Labcorp Genetics (formerly Invitae), Labcorp
Classification: Uncertain significance for Surfactant metabolism dysfunction, pulmonary, 4. Last evaluated: 2023-12-11. Review status: criteria provided, single submitter. Criteria: Invitae Variant Classification Sherloc (09022015). Collection method: clinical testing. Allele origin: germline.
Comment: This sequence change replaces glutamic acid, which is acidic and polar, with lysine, which is basic and polar, at codon 391 of the CSF2RA protein (p.Glu391Lys). This variant is present in population databases (no rsID available, gnomAD 0.006%). This variant has not been reported in the literature in individuals affected with CSF2RA-related conditions. ClinVar contains an entry for this variant (Variation ID: 1021547). Experimental studies and prediction algorithms are not available or were not evaluated, and the functional significance of this variant is currently unknown. In summary, the available evidence is currently insufficient to determine the role of this variant in disease. Therefore, it has been classified as a Variant of Uncertain Significance.

NM_172245.4(CSF2RA):c.1171G>A (p.Glu391Lys)

Gene: CSF2RA (colony stimulating factor 2 receptor subunit alpha; plus strand). Cytogenetic location: Xp22.33.
Variant type: single nucleotide variant.
Coding change: c.1171G>A on transcript NM_172245.4 (MANE Select); coding-DNA position 1171, G replaced by A.
Protein change: p.Glu391Lys; replaces glutamic acid 391 with lysine.
Molecular consequence: missense variant. On other transcripts: 3 prime UTR variant (5), non-coding transcript variant (1), intron variant (6).
Genome position (GRCh38, 1-based): chrX:1,309,447, G>A. VCF-style: chrX-1309447-G-A. GRCh37 (hg19) VCF-style: chrX-1428340-G-A.
Other names: c.1171G>A, p.Glu391Lys (NM_001161529.2, NM_001379156.1, NM_001379158.1 and 1 more transcripts); c.1273G>A, p.Glu425Lys (NM_001161530.2, NM_001379153.1, NM_001379154.1); c.772G>A, p.Glu258Lys (NM_001161532.2); c.1141G>A, p.Glu381Lys (NM_001379160.1); c.982G>A, p.Glu328Lys (NM_001379166.1); c.*72G>A (NM_001379167.1, NM_001379168.1, NM_001379169.1 and 2 more transcripts); c.992G>A, p.Arg331Gln (NM_172246.4); c.1125+3920G>A (NM_001379163.1, NM_001379162.1, NM_001379164.1 and 2 more transcripts); and 1 more; short protein forms E258K, E328K, E381K, E391K, E425K, R331Q.
Identifiers: ClinVar variation 1021547 (VCV001021547.4), dbSNP rs779979042, ClinGen allele CA10331283.